The following is an entry in ClinVar:

ClinVar aggregate classification (germline): Uncertain significance (1 of 4 stars; one submission).

Conditions:
Juvenile polyposis syndrome (JPS). Identifiers: Orphanet 2929, MedGen C0345893, MONDO:0017380, OMIM 174900.

Submission:

Labcorp Genetics (formerly Invitae), Labcorp
Classification: Uncertain significance for Juvenile polyposis syndrome. Last evaluated: 2020-12-25. Review status: criteria provided, single submitter. Criteria: Invitae Variant Classification Sherloc (09022015). Collection method: clinical testing. Allele origin: germline.
Comment: This sequence change replaces methionine with leucine at codon 447 of the SMAD4 protein (p.Met447Leu). The methionine residue is highly conserved and there is a small physicochemical difference between methionine and leucine. This variant is not present in population databases (ExAC no frequency). This variant has not been reported in the literature in individuals with SMAD4-related conditions. Advanced modeling of protein sequence and biophysical properties (such as structural, functional, and spatial information, amino acid conservation, physicochemical variation, residue mobility, and thermodynamic stability) performed at Invitae indicates that this missense variant is not expected to disrupt SMAD4 protein function. In summary, the available evidence is currently insufficient to determine the role of this variant in disease. Therefore, it has been classified as a Variant of Uncertain Significance.

NM_005359.6(SMAD4):c.1339A>T (p.Met447Leu)

Gene: SMAD4 (SMAD family member 4; plus strand). Cytogenetic location: 18q21.2.
Variant type: single nucleotide variant.
Coding change: c.1339A>T on transcript NM_005359.6 (MANE Select); coding-DNA position 1339, A replaced by T.
Protein change: p.Met447Leu; replaces methionine 447 with leucine.
Molecular consequence: missense variant.
Genome position (GRCh38, 1-based): chr18:51,076,668, A>T. VCF-style: chr18-51076668-A-T. GRCh37 (hg19) VCF-style: chr18-48603038-A-T.
Other names: short protein forms M447L.
Identifiers: ClinVar variation 1462399 (VCV001462399.8), dbSNP rs1568211184, ClinGen allele CA402465170.